The following is an entry in ClinVar:

ClinVar aggregate classification (germline): Uncertain significance (1 of 4 stars; one submission).

gnomAD v4.1: 1 of 1,539,540 alleles (0.000065%); highest among the groups gnomAD compares: South Asian, 0.0012%; no homozygotes.

Submission:

GeneDx
Classification: Uncertain significance. Last evaluated: 2024-03-12. Review status: criteria provided, single submitter. Criteria: GeneDx Variant Classification Process June 2021. Collection method: clinical testing. Allele origin: germline. Affected: yes.
Comment: Not observed at significant frequency in large population cohorts (gnomAD); In silico analysis supports that this missense variant does not alter protein structure/function; Has not been previously published as pathogenic or benign to our knowledge

NM_176787.5(PIGN):c.1775C>T (p.Ser592Leu)

Genes: PIGN (phosphatidylinositol glycan anchor biosynthesis class N; minus strand), LOC132090497 (Neanderthal introgressed variant-containing enhancer experimental_48690; plus strand). Cytogenetic location: 18q21.33.
Variant type: single nucleotide variant.
Coding change: c.1775C>T on transcript NM_176787.5 (MANE Select); coding-DNA position 1775, C replaced by T.
Protein change: p.Ser592Leu; replaces serine 592 with leucine.
Molecular consequence: missense variant.
Genome position (GRCh38, 1-based): chr18:62,105,627, G>A on the plus strand (C>T on the coding strand, the complement: PIGN is on the minus strand). VCF-style: chr18-62105627-G-A. GRCh37 (hg19) VCF-style: chr18-59772860-G-A.
Other names: c.1775C>T, p.Ser592Leu (NM_012327.6); short protein forms S592L.
Identifiers: ClinVar variation 3373717 (VCV003373717.1).
Genomic context (GRCh38, chr18:62,105,627, plus strand): 5'-CCTACAACCGGCATCAGTGGGAACACTGCCAGGAGCAAAGAGAAGAAAGTCCAACTCAGT[G>A]AGGTCATCTAAAATCAAGAAAAAAGTTATCTTTAGACAAATATGGTATAGAAAACTATCA-3'
Protein context (NP_789744.1, residues 582-602): TRLWTRAKMT[Ser592Leu]LSWTFFSLLL